The following is an entry in ClinVar:

NM_000254.3(MTR):c.3598+15G>A

Gene: MTR (5-methyltetrahydrofolate-homocysteine methyltransferase; plus strand). Cytogenetic location: 1q43.
Variant type: single nucleotide variant.
Coding change: c.3598+15G>A on transcript NM_000254.3 (MANE Select); 15 bases into the intron after coding-DNA position 3598, G replaced by A.
Molecular consequence: intron variant.
Genome position (GRCh38, 1-based): chr1:236,895,565, G>A. VCF-style: chr1-236895565-G-A. GRCh37 (hg19) VCF-style: chr1-237058865-G-A.
Other names: c.3445+15G>A (NM_001291939.1); c.2377+15G>A (NM_001291940.2).
Identifiers: ClinVar variation 296582 (VCV000296582.10), dbSNP rs754129736, ClinGen allele CA1474739.

ClinVar aggregate classification (germline): Likely benign. Review status: criteria provided, multiple submitters, no conflicts (2 of 4 stars). 3 submissions from 3 submitters: Likely benign (3). Last evaluated 2025-11-16.

Conditions:
Methylcobalamin deficiency type cblG (HMAG). Also called: HOMOCYSTINURIA-MEGALOBLASTIC ANEMIA, cblG TYPE; HOMOCYSTINURIA-MEGALOBLASTIC ANEMIA, cblG COMPLEMENTATION TYPE; Functional methionine synthase deficiency type cblG; HOMOCYSTINURIA-MEGALOBLASTIC ANEMIA DUE TO DEFECT IN COBALAMIN METABOLISM, cblG COMPLEMENTATION TYPE. Identifiers: Orphanet 2170, Orphanet 622, MedGen C1855128, MONDO:0009609, OMIM 250940.
Disorders of Intracellular Cobalamin Metabolism. Identifiers: MedGen CN043592.

Allele frequency attached by ClinVar (database versions not stated): gnomAD 0.00002 and 0.00003; gnomAD exomes 0.00009; TOPMed 0.00010; ExAC 0.00013.
gnomAD v4.1: 31 of 1,557,342 alleles (0.002%); highest among the groups gnomAD compares: East Asian, 0.068%; no homozygotes.

Submissions (3):

Labcorp Genetics (formerly Invitae), Labcorp
Classification: Likely benign for Methylcobalamin deficiency type cblG. Last evaluated: 2025-11-16. Review status: criteria provided, single submitter. Criteria: Invitae Variant Classification Sherloc (09022015). Collection method: clinical testing. Allele origin: germline.

Blueprint Genetics
Classification: Likely benign. Last evaluated: 2024-06-11. Review status: criteria provided, single submitter. Criteria: ACMG Guidelines, 2015. Collection method: clinical testing. Allele origin: germline.

Illumina Laboratory Services, Illumina
Classification: Likely benign for Disorders of Intracellular Cobalamin Metabolism. Last evaluated: 2018-01-12. Review status: criteria provided, single submitter. Criteria: ICSL Variant Classification Criteria 13 December 2019. Collection method: clinical testing. Allele origin: germline.
Comment: This variant was observed in the ICSL laboratory as part of a predisposition screen in an ostensibly healthy population. It had not been previously curated by ICSL or reported in the Human Gene Mutation Database (HGMD: prior to June 1st, 2018), and was therefore a candidate for classification through an automated scoring system. Utilizing variant allele frequency, disease prevalence and penetrance estimates, and inheritance mode, an automated score was calculated to assess if this variant is too frequent to cause the disease. Based on the score and internal cut-off values, a variant classified as likely benign is not then subjected to further curation. The score for this variant resulted in a classification of likely benign for this disease.